The following is an entry in ClinVar:

ClinVar aggregate classification (germline): Uncertain significance. Review status: criteria provided, multiple submitters, no conflicts (2 of 4 stars). 2 submissions from 2 submitters: Uncertain significance (2). Last evaluated 2025-12-03.

Allele frequency attached by ClinVar (database versions not stated): gnomAD 0.00001; gnomAD exomes 0.00001; TOPMed 0.00001; ExAC 0.00002.

Submissions (2):

Labcorp Genetics (formerly Invitae), Labcorp
Classification: Uncertain significance. Last evaluated: 2025-12-03. Review status: criteria provided, single submitter. Criteria: Invitae Variant Classification Sherloc (09022015). Collection method: clinical testing. Allele origin: germline.
Comment: This sequence change replaces tyrosine, which is neutral and polar, with histidine, which is basic and polar, at codon 278 of the OR2W3 protein (p.Tyr278His). This variant is present in population databases (rs770173466, gnomAD 0.06%), and has an allele count higher than expected for a pathogenic variant. This variant has not been reported in the literature in individuals affected with OR2W3-related conditions. ClinVar contains an entry for this variant (Variation ID: 2235167). An algorithm developed to predict the effect of missense changes on protein structure and function (PolyPhen-2) suggests that this variant is likely to be disruptive. In summary, the available evidence is currently insufficient to determine the role of this variant in disease. Therefore, it has been classified as a Variant of Uncertain Significance.

Ambry Genetics
Classification: Uncertain significance. Last evaluated: 2021-07-06. Review status: criteria provided, single submitter. Criteria: Ambry Variant Classification Scheme 2023. Collection method: clinical testing. Allele origin: germline.

NM_001001957.2(OR2W3):c.832T>C (p.Tyr278His)

Gene: OR2W3 (olfactory receptor family 2 subfamily W member 3; plus strand). Cytogenetic location: 1q44.
Variant type: single nucleotide variant.
Coding change: c.832T>C on transcript NM_001001957.2 (MANE Select); coding-DNA position 832, T replaced by C.
Protein change: p.Tyr278His; replaces tyrosine 278 with histidine.
Molecular consequence: missense variant.
Genome position (GRCh38, 1-based): chr1:247,896,418, T>C. VCF-style: chr1-247896418-T-C. GRCh37 (hg19) VCF-style: chr1-248059720-T-C.
Other names: short protein forms Y278H.
Identifiers: ClinVar variation 2235167 (VCV002235167.3), dbSNP rs770173466, ClinGen allele CA1498698.